The following is an entry in ClinVar:

NM_004385.5(VCAN):c.3537T>G (p.Asp1179Glu)

Gene: VCAN (versican; plus strand). Cytogenetic location: 5q14.3.
Variant type: single nucleotide variant.
Coding change: c.3537T>G on transcript NM_004385.5 (MANE Select); coding-DNA position 3537, T replaced by G.
Protein change: p.Asp1179Glu; replaces aspartic acid 1179 with glutamic acid.
Molecular consequence: missense variant. On other transcripts: intron variant (2).
Genome position (GRCh38, 1-based): chr5:83,521,843, T>G. VCF-style: chr5-83521843-T-G. GRCh37 (hg19) VCF-style: chr5-82817662-T-G.
Other names: c.3537T>G, p.Asp1179Glu (NM_001164098.2); c.1042+9447T>G (NM_001164097.2, NM_001126336.3); short protein forms D1179E.
Identifiers: ClinVar variation 955479 (VCV000955479.9), dbSNP rs1746115691, ClinGen allele CA360306276.
Genomic context (GRCh38, chr5:83,521,843, plus strand): 5'-CCACATTACCCAGCTTATGGAAGAAACCACTACTGAGAAAACATCCCTAGAGGATATTGA[T>G]TTAGGCTCAGGATTATTTGAAAAGCCCAAAGCCACAGAACTCATAGAATTTTCAACAATC-3'
Protein context (NP_004376.2, residues 1169-1189): TTEKTSLEDI[Asp1179Glu]LGSGLFEKPK

ClinVar aggregate classification (germline): Uncertain significance (1 of 4 stars; one submission).

Submission:

Labcorp Genetics (formerly Invitae), Labcorp
Classification: Uncertain significance. Last evaluated: 2022-06-03. Review status: criteria provided, single submitter. Criteria: Invitae Variant Classification Sherloc (09022015). Collection method: clinical testing. Allele origin: germline.
Comment: This variant is not present in population databases (gnomAD no frequency). This sequence change replaces aspartic acid, which is acidic and polar, with glutamic acid, which is acidic and polar, at codon 1179 of the VCAN protein (p.Asp1179Glu). This variant has not been reported in the literature in individuals affected with VCAN-related conditions. In summary, the available evidence is currently insufficient to determine the role of this variant in disease. Therefore, it has been classified as a Variant of Uncertain Significance. Algorithms developed to predict the effect of missense changes on protein structure and function output the following: SIFT: "Deleterious"; PolyPhen-2: "Benign"; Align-GVGD: "Class C35". The glutamic acid amino acid residue is found in multiple mammalian species, which suggests that this missense change does not adversely affect protein function. ClinVar contains an entry for this variant (Variation ID: 955479).